The following is an entry in ClinVar:

ClinVar aggregate classification (germline): Uncertain significance. Review status: criteria provided, multiple submitters, no conflicts (2 of 4 stars). 3 submissions from 3 submitters: Uncertain significance (2). 1 of the submissions does not count toward it. Last evaluated 2026-09-01.

Conditions:
Hypophosphatasia. Also called: Phosphoethanol-aminuria. Identifiers: Orphanet 436, MedGen C0020630, MeSH D007014, MONDO:0018570.

Allele frequency attached by ClinVar (database versions not stated): gnomAD exomes below 0.00001; ExAC 0.00001.

Submissions (3):

Genomenon, Inc
Classification: Uncertain significance for Hypophosphatasia. Last evaluated: 2026-09-01. Review status: criteria provided, single submitter. Criteria: Genomenon Sequence Variant Interpretation Standards - Updated. Collection method: curation. Allele origin: germline. Affected: no.
Comment: ALPL p.Asp90Glu (c.270C>G) is a missense variant that changes the amino acid at codon 90 from Aspartic acid to Glutamic acid. This variant has been reported in the published literature (PMID:34633109). It is absent or not present at a significant frequency in gnomAD. In silico models predict that this variant is possibly or probably damaging. In conclusion, we classify ALPL p.Asp90Glu (c.270C>G) as a variant of uncertain significance.

Labcorp Genetics (formerly Invitae), Labcorp
Classification: Uncertain significance. Last evaluated: 2021-08-26. Review status: criteria provided, single submitter. Criteria: Invitae Variant Classification Sherloc (09022015). Collection method: clinical testing. Allele origin: germline.

Natera, Inc.
Classification: Uncertain significance for Hypophosphatasia. Last evaluated: 2020-09-16. Review status: no assertion criteria provided. Collection method: clinical testing. Allele origin: germline. Not counted in ClinVar's aggregate classification.

Literature cited by the submitters: PubMed 34633109 (cited by Genomenon, Inc).

NM_000478.6(ALPL):c.270C>G (p.Asp90Glu)

Gene: ALPL (alkaline phosphatase, biomineralization associated; plus strand). Cytogenetic location: 1p36.12.
Variant type: single nucleotide variant.
Coding change: c.270C>G on transcript NM_000478.6 (MANE Select); coding-DNA position 270, C replaced by G.
Protein change: p.Asp90Glu; replaces aspartic acid 90 with glutamic acid.
Molecular consequence: missense variant. On other transcripts: intron variant (1).
Genome position (GRCh38, 1-based): chr1:21,561,185, C>G. VCF-style: chr1-21561185-C-G. GRCh37 (hg19) VCF-style: chr1-21887678-C-G.
Other names: c.105C>G, p.Asp35Glu (NM_001127501.4); c.270C>G, p.Asp90Glu (NM_001369803.2, NM_001369804.2, NM_001369805.2); c.66+440C>G (NM_001177520.3); short protein forms D35E, D90E.
Identifiers: ClinVar variation 835159 (VCV000835159.7), dbSNP rs779180929, ClinGen allele CA666440.
Genomic context (GRCh38, chr1:21,561,185, plus strand): 5'-CCGCATCCTCAAGGGTCAGCTCCACCACAACCCTGGGGAGGAGACCAGGCTGGAGATGGA[C>G]AAGTTCCCCTTCGTGGCCCTCTCCAAGGTGAGCCCCATCCCCAAGCCCAGTTCAGGTCTG-3'
Protein context (NP_000469.3, residues 80-100): NPGEETRLEM[Asp90Glu]KFPFVALSKT